The following is an entry in ClinVar:

ClinVar aggregate classification (germline): Benign/Likely benign. Review status: criteria provided, multiple submitters, no conflicts (2 of 4 stars). 4 submissions from 4 submitters: Benign (2); Likely benign (2). Last evaluated 2026-01-26.

Conditions:
Hereditary cancer-predisposing syndrome. Also called: Neoplastic Syndromes, Hereditary; Hereditary neoplastic syndrome; Hereditary Cancer Syndrome; Tumor predisposition. Identifiers: Orphanet 140162, MedGen C0027672, MeSH D009386, MONDO:0015356.
Tuberous sclerosis 2 (TSC2). Identifiers: Orphanet 805, MedGen C1860707, MONDO:0013199, OMIM 613254.

Allele frequency attached by ClinVar (database versions not stated): gnomAD 0.00002; TOPMed 0.00002.
gnomAD v4.1: 24 of 1,612,698 alleles (0.0015%); highest among the groups gnomAD compares: Middle Eastern, 0.099%; 1 homozygote.

Submissions (4):

Labcorp Genetics (formerly Invitae), Labcorp
Classification: Likely benign for Tuberous sclerosis 2. Last evaluated: 2026-01-26. Review status: criteria provided, single submitter. Criteria: Invitae Variant Classification Sherloc (09022015). Collection method: clinical testing. Allele origin: germline.

Myriad Genetics, Inc.
Classification: Benign for Tuberous sclerosis 2. Last evaluated: 2025-06-04. Review status: criteria provided, single submitter. Criteria: Myriad Autosomal Dominant, Autosomal Recessive and X-Linked Classification Criteria (2023). Collection method: clinical testing. Allele origin: unknown.
Comment: This variant is considered benign. This variant is a silent/synonymous amino acid change and it is not expected to impact splicing.

Genome-Nilou Lab
Classification: Benign for Tuberous sclerosis 2. Last evaluated: 2021-11-07. Review status: criteria provided, single submitter. Criteria: ACMG Guidelines, 2015. Collection method: clinical testing. Allele origin: germline. Affected: no.

Ambry Genetics
Classification: Likely benign for Hereditary cancer-predisposing syndrome. Last evaluated: 2018-04-20. Review status: criteria provided, single submitter. Criteria: Ambry Variant Classification Scheme 2023. Collection method: clinical testing. Allele origin: germline.

NM_000548.5(TSC2):c.4728G>A (p.Thr1576=)

Gene: TSC2 (TSC complex subunit 2; plus strand). Cytogenetic location: 16p13.3.
Variant type: single nucleotide variant.
Coding change: c.4728G>A on transcript NM_000548.5 (MANE Select); coding-DNA position 4728, G replaced by A.
Protein change: p.Thr1576=; no amino-acid change (threonine 1576 retained).
Molecular consequence: synonymous variant.
Genome position (GRCh38, 1-based): chr16:2,086,258, G>A. VCF-style: chr16-2086258-G-A. GRCh37 (hg19) VCF-style: chr16-2136259-G-A.
Other names: c.4527G>A, p.Thr1509= (NM_001077183.3); c.4659G>A, p.Thr1553= (NM_001114382.3); c.4419G>A, p.Thr1473= (NM_001318827.2); c.4383G>A, p.Thr1461= (NM_001318829.2); c.3996G>A, p.Thr1332= (NM_001318831.2); c.4560G>A, p.Thr1520= (NM_001318832.2); c.4530G>A, p.Thr1510= (NM_001363528.2); c.4596G>A, p.Thr1532= (NM_001370404.1); and 1 more.
Identifiers: ClinVar variation 657021 (VCV000657021.18), dbSNP rs752642825, ClinGen allele CA052385.